The following is an entry in ClinVar:

ClinVar aggregate classification (germline): Uncertain significance. Review status: criteria provided, multiple submitters, no conflicts (2 of 4 stars). 2 submissions from 2 submitters: Uncertain significance (2). Last evaluated 2025-09-26.

Conditions:
Inborn genetic diseases. Identifiers: MedGen C0950123, MeSH D030342.

Allele frequency attached by ClinVar (database versions not stated): TOPMed 0.00003; gnomAD 0.00005.
gnomAD v4.1: 29 of 1,600,680 alleles (0.0018%); highest among the groups gnomAD compares: African/African-American, 0.0094%; no homozygotes.

Submissions (2):

Ambry Genetics
Classification: Uncertain significance for Inborn genetic diseases. Last evaluated: 2025-09-26. Review status: criteria provided, single submitter. Criteria: Ambry Variant Classification Scheme 2023. Collection method: clinical testing. Allele origin: germline.

Labcorp Genetics (formerly Invitae), Labcorp
Classification: Uncertain significance. Last evaluated: 2025-03-18. Review status: criteria provided, single submitter. Criteria: Invitae Variant Classification Sherloc (09022015). Collection method: clinical testing. Allele origin: germline.
Comment: This sequence change replaces proline, which is neutral and non-polar, with glutamine, which is neutral and polar, at codon 177 of the SNRPB protein (p.Pro177Gln). This variant is present in population databases (rs759220904, gnomAD 0.009%). This variant has not been reported in the literature in individuals affected with SNRPB-related conditions. ClinVar contains an entry for this variant (Variation ID: 1901390). Experimental studies and prediction algorithms are not available or were not evaluated, and the functional significance of this variant is currently unknown. In summary, the available evidence is currently insufficient to determine the role of this variant in disease. Therefore, it has been classified as a Variant of Uncertain Significance.

NM_003091.4(SNRPB):c.530C>A (p.Pro177Gln)

Gene: SNRPB (small nuclear ribonucleoprotein polypeptides B and B1; minus strand). Cytogenetic location: 20p13.
Variant type: single nucleotide variant.
Coding change: c.530C>A on transcript NM_003091.4 (MANE Select); coding-DNA position 530, C replaced by A.
Protein change: p.Pro177Gln; replaces proline 177 with glutamine.
Molecular consequence: missense variant.
Genome position (GRCh38, 1-based): chr20:2,463,118, G>T on the plus strand (C>A on the coding strand, the complement: SNRPB is on the minus strand). VCF-style: chr20-2463118-G-T. GRCh37 (hg19) VCF-style: chr20-2443764-G-T.
Other names: c.530C>A (NM_198216.1); c.530C>A, p.Pro177Gln (NM_198216.2); short protein forms P177Q.
Identifiers: ClinVar variation 1901390 (VCV001901390.8), dbSNP rs759220904, ClinGen allele CA9732420.
Genomic context (GRCh38, chr20:2,463,118, plus strand): 5'-ATTAGCACTGGTCTCCTTATGGGCTCCTCACCTGGAGGGGGTGCTCCTCGGCCCATAGGT[G>T]GGGGAGGACCCCCACGGCCAGGTGGGTACTGGGTTGGAGCCCCGGCAATACTGGCTGTGG-3'
Protein context (NP_003082.1, residues 167-187): QYPPGRGGPP[Pro177Gln]PMGRGAPPPG